The following is an entry in ClinVar:

ClinVar aggregate classification (germline): Uncertain significance (1 of 4 stars; one submission).

Conditions:
Familial hemiplegic migraine. Identifiers: MedGen C0338484, MONDO:0000700.

Allele frequency attached by ClinVar (database versions not stated): TOPMed below 0.00001; gnomAD 0.00001; ExAC 0.00002; gnomAD exomes 0.00002 and 0.00004.
gnomAD v4.1: 55 of 1,614,062 alleles (0.0034%); highest among the groups gnomAD compares: Non-Finnish European, 0.0046%; no homozygotes.

Submission:

Labcorp Genetics (formerly Invitae), Labcorp
Classification: Uncertain significance for Familial hemiplegic migraine. Last evaluated: 2025-10-02. Review status: criteria provided, single submitter. Criteria: Invitae Variant Classification Sherloc (09022015). Collection method: clinical testing. Allele origin: germline.
Comment: This sequence change replaces serine, which is neutral and polar, with phenylalanine, which is neutral and non-polar, at codon 461 of the ATP1A2 protein (p.Ser461Phe). This variant is present in population databases (rs751491994, gnomAD 0.005%). This variant has not been reported in the literature in individuals affected with ATP1A2-related conditions. ClinVar contains an entry for this variant (Variation ID: 460297). Invitae Evidence Modeling of protein sequence and biophysical properties (such as structural, functional, and spatial information, amino acid conservation, physicochemical variation, residue mobility, and thermodynamic stability) indicates that this missense variant is not expected to disrupt ATP1A2 protein function with a negative predictive value of 80%. In summary, the available evidence is currently insufficient to determine the role of this variant in disease. Therefore, it has been classified as a Variant of Uncertain Significance.

NM_000702.4(ATP1A2):c.1382C>T (p.Ser461Phe)

Gene: ATP1A2 (ATPase Na+/K+ transporting subunit alpha 2; plus strand). Cytogenetic location: 1q23.2.
Variant type: single nucleotide variant.
Coding change: c.1382C>T on transcript NM_000702.4 (MANE Select); coding-DNA position 1382, C replaced by T.
Protein change: p.Ser461Phe; replaces serine 461 with phenylalanine.
Molecular consequence: missense variant.
Genome position (GRCh38, 1-based): chr1:160,129,321, C>T. VCF-style: chr1-160129321-C-T. GRCh37 (hg19) VCF-style: chr1-160099111-C-T.
Other names: short protein forms S461F.
Identifiers: ClinVar variation 460297 (VCV000460297.5), dbSNP rs751491994, ClinGen allele CA1194474.
Genomic context (GRCh38, chr1:160,129,321, plus strand): 5'-GGCAGCGGGACACAGCTGGTGATGCCTCTGAGTCAGCTCTGCTCAAGTGCATTGAGCTCT[C>T]CTGTGGCTCAGTGAGGAAAATGAGAGACAGAAACCCCAAGGTGGCAGAGATTCCTTTCAA-3'
Protein context (NP_000693.1, residues 451-471): ESALLKCIEL[Ser461Phe]CGSVRKMRDR